The following is an entry in ClinVar:

NM_001034850.3(RETREG1):c.1169C>T (p.Thr390Met)

Gene: RETREG1 (reticulophagy regulator 1; minus strand). Cytogenetic location: 5p15.1.
Variant type: single nucleotide variant.
Coding change: c.1169C>T on transcript NM_001034850.3 (MANE Select); coding-DNA position 1169, C replaced by T.
Protein change: p.Thr390Met; replaces threonine 390 with methionine.
Molecular consequence: missense variant.
Genome position (GRCh38, 1-based): chr5:16,475,066, G>A on the plus strand (C>T on the coding strand, the complement: RETREG1 is on the minus strand). VCF-style: chr5-16475066-G-A. GRCh37 (hg19) VCF-style: chr5-16475175-G-A.
Other names: c.746C>T, p.Thr249Met (NM_019000.5); short protein forms T390M, T249M.
Identifiers: ClinVar variation 579199 (VCV000579199.14), dbSNP rs374082497, ClinGen allele CA3210235.

ClinVar aggregate classification (germline): Uncertain significance. Review status: criteria provided, multiple submitters, no conflicts (2 of 4 stars). 4 submissions from 4 submitters: Uncertain significance (4). Last evaluated 2025-10-15.

Conditions:
Inborn genetic diseases. Identifiers: MedGen C0950123, MeSH D030342.
Neuropathy, hereditary sensory and autonomic, type 2B (HSAN2B). Also called: RETREG1-Related HSAN2 (HSAN2B). Identifiers: Orphanet 970, MedGen C2751092, MONDO:0013142, OMIM 613115.

Allele frequency attached by ClinVar (database versions not stated): gnomAD exomes 0.00006; ExAC 0.00007; gnomAD 0.00011; TOPMed 0.00014; ESP Exome Variant Server 0.00024.

Submissions (4):

Ambry Genetics
Classification: Uncertain significance for Inborn genetic diseases. Last evaluated: 2025-10-15. Review status: criteria provided, single submitter. Criteria: Ambry Variant Classification Scheme 2023. Collection method: clinical testing. Allele origin: germline.

Labcorp Genetics (formerly Invitae), Labcorp
Classification: Uncertain significance. Last evaluated: 2025-09-16. Review status: criteria provided, single submitter. Criteria: Invitae Variant Classification Sherloc (09022015). Collection method: clinical testing. Allele origin: germline.
Comment: This sequence change replaces threonine, which is neutral and polar, with methionine, which is neutral and non-polar, at codon 390 of the RETREG1 protein (p.Thr390Met). This variant is present in population databases (rs374082497, gnomAD 0.07%). This variant has not been reported in the literature in individuals affected with RETREG1-related conditions. ClinVar contains an entry for this variant (Variation ID: 579199). Invitae Evidence Modeling of protein sequence and biophysical properties (such as structural, functional, and spatial information, amino acid conservation, physicochemical variation, residue mobility, and thermodynamic stability) indicates that this missense variant is not expected to disrupt RETREG1 protein function with a negative predictive value of 80%. In summary, the available evidence is currently insufficient to determine the role of this variant in disease. Therefore, it has been classified as a Variant of Uncertain Significance.

GeneDx
Classification: Uncertain significance. Last evaluated: 2024-07-26. Review status: criteria provided, single submitter. Criteria: GeneDx Variant Classification Process June 2021. Collection method: clinical testing. Allele origin: germline. Affected: yes.
Comment: In silico analysis indicates that this missense variant does not alter protein structure/function; Has not been previously reported as pathogenic or benign in association with neurodevelopmental disorders to our knowledge; This variant is associated with the following publications: (PMID: 25668207)

Illumina Laboratory Services, Illumina
Classification: Uncertain significance for Neuropathy, hereditary sensory and autonomic, type 2B. Last evaluated: 2018-01-13. Review status: criteria provided, single submitter. Criteria: ICSL Variant Classification Criteria 13 December 2019. Collection method: clinical testing. Allele origin: germline.